The following is an entry in ClinVar:

NM_021098.3(CACNA1H):c.2063C>T (p.Pro688Leu)

Gene: CACNA1H (calcium voltage-gated channel subunit alpha1 H; plus strand). Cytogenetic location: 16p13.3.
Variant type: single nucleotide variant.
Coding change: c.2063C>T on transcript NM_021098.3 (MANE Select); coding-DNA position 2063, C replaced by T.
Protein change: p.Pro688Leu; replaces proline 688 with leucine.
Molecular consequence: missense variant.
Genome position (GRCh38, 1-based): chr16:1,204,070, C>T. VCF-style: chr16-1204070-C-T. GRCh37 (hg19) VCF-style: chr16-1254070-C-T.
Other names: c.2063C>T, p.Pro688Leu (NM_001005407.2); short protein forms P688L.
Identifiers: ClinVar variation 1211773 (VCV001211773.4), dbSNP rs2141277985, ClinGen allele CA394165472.

ClinVar aggregate classification (germline): Uncertain significance. Review status: criteria provided, multiple submitters, no conflicts (2 of 4 stars). 2 submissions from 2 submitters: Uncertain significance (2). Last evaluated 2021-06-18.

Conditions:
Epilepsy, childhood absence, susceptibility to, 6. Identifiers: Orphanet 64280, MedGen C2749872, MONDO:0012763, OMIM 611942.

gnomAD v4.1: 4 of 1,602,632 alleles (0.00025%); highest among the groups gnomAD compares: Non-Finnish European, 0.00034%; no homozygotes.

Submissions (2):

GeneDx
Classification: Uncertain significance. Last evaluated: 2021-06-18. Review status: criteria provided, single submitter. Criteria: GeneDx Variant Classification Process June 2021. Collection method: clinical testing. Allele origin: germline. Affected: yes.
Comment: Not observed in large population cohorts (Lek et al., 2016); In silico analysis supports that this missense variant does not alter protein structure/function; Has not been previously published as pathogenic or benign to our knowledge; This variant is associated with the following publications: (PMID: 27535533)

CENTOGENE GmbH and LLC - Guiding Precision Medicine
Classification: Uncertain significance for Epilepsy, childhood absence, susceptibility to, 6. Last evaluated: 2021-05-28. Review status: criteria provided, single submitter. Criteria: ACMG Guidelines, 2015. Collection method: clinical testing. Allele origin: germline.